The following is an entry in ClinVar:

NM_003124.5(SPR):c.496G>T (p.Gly166Cys)

Gene: SPR (sepiapterin reductase; plus strand). Cytogenetic location: 2p13.2.
Variant type: single nucleotide variant.
Coding change: c.496G>T on transcript NM_003124.5 (MANE Select); coding-DNA position 496, G replaced by T.
Protein change: p.Gly166Cys; replaces glycine 166 with cysteine.
Molecular consequence: missense variant.
Genome position (GRCh38, 1-based): chr2:72,888,505, G>T. VCF-style: chr2-72888505-G-T. GRCh37 (hg19) VCF-style: chr2-73115634-G-T.
Other names: short protein forms G166C.
Identifiers: ClinVar variation 2162950 (VCV002162950.1), dbSNP rs752193624, ClinGen allele CA1708969.

ClinVar aggregate classification (germline): Uncertain significance (1 of 4 stars; one submission).

Conditions:
Dystonic disorder. Also called: Dystonia. Identifiers: MedGen C0013421, MONDO:0003441, HP:0001332.

Allele frequency attached by ClinVar (database versions not stated): ExAC 0.00001; gnomAD 0.00001; gnomAD exomes 0.00001.

Submission:

Labcorp Genetics (formerly Invitae), Labcorp
Classification: Uncertain significance for Dystonic disorder. Last evaluated: 2022-06-28. Review status: criteria provided, single submitter. Criteria: Invitae Variant Classification Sherloc (09022015). Collection method: clinical testing. Allele origin: germline.
Comment: This sequence change replaces glycine, which is neutral and non-polar, with cysteine, which is neutral and slightly polar, at codon 166 of the SPR protein (p.Gly166Cys). This variant is present in population databases (rs752193624, gnomAD 0.009%). This variant has not been reported in the literature in individuals affected with SPR-related conditions. Algorithms developed to predict the effect of missense changes on protein structure and function (SIFT, PolyPhen-2, Align-GVGD) all suggest that this variant is likely to be disruptive. In summary, the available evidence is currently insufficient to determine the role of this variant in disease. Therefore, it has been classified as a Variant of Uncertain Significance.